The following is an entry in ClinVar:

ClinVar aggregate classification (germline): Uncertain significance (1 of 4 stars; one submission).

Allele frequency attached by ClinVar (database versions not stated): gnomAD exomes below 0.00001.
gnomAD v4.1: 1 of 1,614,184 alleles (0.000062%); highest among the groups gnomAD compares: Non-Finnish European, 0.000085%; no homozygotes.

Submission:

Labcorp Genetics (formerly Invitae), Labcorp
Classification: Uncertain significance. Last evaluated: 2019-09-04. Review status: criteria provided, single submitter. Criteria: Invitae Variant Classification Sherloc (09022015). Collection method: clinical testing. Allele origin: germline.
Comment: In summary, the available evidence is currently insufficient to determine the role of this variant in disease. Therefore, it has been classified as a Variant of Uncertain Significance. Algorithms developed to predict the effect of missense changes on protein structure and function are either unavailable or do not agree on the potential impact of this missense change (SIFT: "Deleterious"; PolyPhen-2: "Probably Damaging"; Align-GVGD: "Class C0"). This variant has not been reported in the literature in individuals with CDH3-related conditions. This variant is not present in population databases (ExAC no frequency). This sequence change replaces histidine with tyrosine at codon 719 of the CDH3 protein (p.His719Tyr). The histidine residue is highly conserved and there is a moderate physicochemical difference between histidine and tyrosine.

NM_001793.6(CDH3):c.2155C>T (p.His719Tyr)

Gene: CDH3 (cadherin 3; plus strand). Cytogenetic location: 16q22.1.
Variant type: single nucleotide variant.
Coding change: c.2155C>T on transcript NM_001793.6 (MANE Select); coding-DNA position 2155, C replaced by T.
Protein change: p.His719Tyr; replaces histidine 719 with tyrosine.
Molecular consequence: missense variant.
Genome position (GRCh38, 1-based): chr16:68,695,798, C>T. VCF-style: chr16-68695798-C-T. GRCh37 (hg19) VCF-style: chr16-68729701-C-T.
Other names: c.2155C>T, p.His719Tyr (NM_001317195.3); c.1990C>T, p.His664Tyr (NM_001317196.2); short protein forms H664Y, H719Y.
Identifiers: ClinVar variation 939274 (VCV000939274.8), dbSNP rs1961702788, ClinGen allele CA396456204.